The following is an entry in ClinVar:

ClinVar aggregate classification (germline): Uncertain significance (1 of 4 stars; one submission).

gnomAD v4.1: 12 of 1,613,290 alleles (0.00074%); highest among the groups gnomAD compares: Non-Finnish European, 0.001%; no homozygotes.

Submission:

Ambry Genetics
Classification: Uncertain significance. Last evaluated: 2024-12-25. Review status: criteria provided, single submitter. Criteria: Ambry Variant Classification Scheme 2023. Collection method: clinical testing. Allele origin: germline.
Comment: The p.P1332A variant (also known as c.3994C>G), located in coding exon 18 of the WNK2 gene, results from a C to G substitution at nucleotide position 3994. The proline at codon 1332 is replaced by alanine, an amino acid with highly similar properties. This amino acid position is conserved. In addition, this alteration is predicted to be tolerated by in silico analysis. Based on the available evidence, the clinical significance of this variant remains unclear.

NM_006648.4(WNK2):c.3994C>G (p.Pro1332Ala)

Gene: WNK2 (WNK lysine deficient protein kinase 2; plus strand). Cytogenetic location: 9q22.31.
Variant type: single nucleotide variant.
Coding change: c.3994C>G on transcript NM_006648.4 (MANE Select); coding-DNA position 3994, C replaced by G.
Protein change: p.Pro1332Ala; replaces proline 1332 with alanine.
Molecular consequence: missense variant.
Genome position (GRCh38, 1-based): chr9:93,268,707, C>G. VCF-style: chr9-93268707-C-G. GRCh37 (hg19) VCF-style: chr9-96030989-C-G.
Other names: c.3994C>G, p.Pro1332Ala (NM_001282394.3); short protein forms P1332A.
Identifiers: ClinVar variation 3816625 (VCV003816625.1).